The following is an entry in ClinVar:

ClinVar aggregate classification (germline): Uncertain significance. Review status: criteria provided, multiple submitters, no conflicts (2 of 4 stars). 3 submissions from 3 submitters: Uncertain significance (3). Last evaluated 2025-08-25.

Conditions:
Hereditary cancer-predisposing syndrome. Also called: Neoplastic Syndromes, Hereditary; Tumor predisposition; Hereditary Cancer Syndrome; Hereditary neoplastic syndrome. Identifiers: Orphanet 140162, MedGen C0027672, MeSH D009386, MONDO:0015356.
Prostate cancer, hereditary, 9 (HPC9). Identifiers: Orphanet 1331, MedGen C1970250, MONDO:0012597, OMIM 610997.

Allele frequency attached by ClinVar (database versions not stated): gnomAD exomes below 0.00001 and 0.00001; gnomAD 0.00001; ExAC 0.00002; 1000 Genomes Project 30x 0.00031; 1000 Genomes Project 0.00040.
gnomAD v4.1: 3 of 1,613,608 alleles (0.00019%); highest among the groups gnomAD compares: East Asian, 0.0067%; no homozygotes.

Submissions (3):

Ambry Genetics
Classification: Uncertain significance for Hereditary cancer-predisposing syndrome. Last evaluated: 2025-08-25. Review status: criteria provided, single submitter. Criteria: Ambry Variant Classification Scheme 2023. Collection method: clinical testing. Allele origin: germline.
Comment: The p.K61M variant (also known as c.182A>T), located in coding exon 1 of the HOXB13 gene, results from an A to T substitution at nucleotide position 182. The lysine at codon 61 is replaced by methionine, an amino acid with similar properties. This amino acid position is highly conserved in available vertebrate species. In addition, this alteration is predicted to be tolerated by in silico analysis. Since supporting evidence is limited at this time, the clinical significance of this alteration remains unclear.

Labcorp Genetics (formerly Invitae), Labcorp
Classification: Uncertain significance. Last evaluated: 2024-07-23. Review status: criteria provided, single submitter. Criteria: Invitae Variant Classification Sherloc (09022015). Collection method: clinical testing. Allele origin: germline.
Comment: This sequence change replaces lysine, which is basic and polar, with methionine, which is neutral and non-polar, at codon 61 of the HOXB13 protein (p.Lys61Met). This variant is present in population databases (rs568967699, gnomAD 0.01%). This variant has not been reported in the literature in individuals affected with HOXB13-related conditions. ClinVar contains an entry for this variant (Variation ID: 820155). An algorithm developed to predict the effect of missense changes on protein structure and function (PolyPhen-2) suggests that this variant is likely to be disruptive. In summary, the available evidence is currently insufficient to determine the role of this variant in disease. Therefore, it has been classified as a Variant of Uncertain Significance.

Department of Pathology and Laboratory Medicine, Sinai Health System
Classification: Uncertain significance for Prostate cancer, hereditary, 9. Last evaluated: 2022-10-03. Review status: criteria provided, single submitter. Criteria: ACMG Guidelines, 2015. Collection method: clinical testing. Allele origin: germline. Affected: no.

NM_006361.6(HOXB13):c.182A>T (p.Lys61Met)

Gene: HOXB13 (homeobox B13; minus strand). Cytogenetic location: 17q21.32.
Variant type: single nucleotide variant.
Coding change: c.182A>T on transcript NM_006361.6 (MANE Select); coding-DNA position 182, A replaced by T.
Protein change: p.Lys61Met; replaces lysine 61 with methionine.
Molecular consequence: missense variant.
Genome position (GRCh38, 1-based): chr17:48,728,412, T>A on the plus strand (A>T on the coding strand, the complement: HOXB13 is on the minus strand). VCF-style: chr17-48728412-T-A. GRCh37 (hg19) VCF-style: chr17-46805774-T-A.
Other names: short protein forms K61M.
Identifiers: ClinVar variation 820155 (VCV000820155.17), dbSNP rs568967699, ClinGen allele CA8634051.